The following is an entry in ClinVar:

NM_001453.3(FOXC1):c.1399C>G (p.Gln467Glu)

Gene: FOXC1 (forkhead box C1; plus strand). Cytogenetic location: 6p25.3.
Variant type: single nucleotide variant.
Coding change: c.1399C>G on transcript NM_001453.3 (MANE Select); coding-DNA position 1399, C replaced by G.
Protein change: p.Gln467Glu; replaces glutamine 467 with glutamic acid.
Molecular consequence: missense variant.
Genome position (GRCh38, 1-based): chr6:1,611,844, C>G. VCF-style: chr6-1611844-C-G. GRCh37 (hg19) VCF-style: chr6-1612079-C-G.
Other names: short protein forms Q467E.
Identifiers: ClinVar variation 2162234 (VCV002162234.4), dbSNP rs1297907614, ClinGen allele CA362560842.

ClinVar aggregate classification (germline): Uncertain significance (1 of 4 stars; one submission).

Conditions:
Axenfeld-Rieger syndrome type 3 (RIEG3). Also called: AXENFELD-RIEGER ANOMALY WITH CARDIAC DEFECTS AND/OR SENSORINEURAL HEARING LOSS. Identifiers: Orphanet 782, MedGen C2678503, MONDO:0011233, OMIM 602482.

Allele frequency attached by ClinVar (database versions not stated): gnomAD exomes below 0.00001; TOPMed below 0.00001; gnomAD 0.00001.
gnomAD v4.1: 8 of 1,535,762 alleles (0.00052%); highest among the groups gnomAD compares: South Asian, 0.0012%; no homozygotes.

Submission:

Labcorp Genetics (formerly Invitae), Labcorp
Classification: Uncertain significance for Axenfeld-Rieger syndrome type 3. Last evaluated: 2025-10-01. Review status: criteria provided, single submitter. Criteria: Invitae Variant Classification Sherloc (09022015). Collection method: clinical testing. Allele origin: germline.
Comment: This sequence change replaces glutamine, which is neutral and polar, with glutamic acid, which is acidic and polar, at codon 467 of the FOXC1 protein (p.Gln467Glu). This variant is present in population databases (no rsID available, gnomAD 0.005%). This variant has not been reported in the literature in individuals affected with FOXC1-related conditions. ClinVar contains an entry for this variant (Variation ID: 2162234). An algorithm developed to predict the effect of missense changes on protein structure and function (PolyPhen-2) suggests that this variant is likely to be disruptive. In summary, the available evidence is currently insufficient to determine the role of this variant in disease. Therefore, it has been classified as a Variant of Uncertain Significance.